The following is an entry in ClinVar:

NM_006941.4(SOX10):c.1051del (p.Asp351fs)

Genes: POLR2F (RNA polymerase II, I and III subunit F; plus strand), SOX10 (SRY-box transcription factor 10; minus strand). Cytogenetic location: 22q13.1.
Variant type: Deletion.
Coding change: c.1051del on transcript NM_006941.4 (MANE Select); coding-DNA position 1051, one base deleted (G; older notation c.1051delG).
Protein change: p.Asp351fs; shifts the reading frame from aspartic acid 351.
Molecular consequence: frameshift variant. On other transcripts: intron variant (3).
Genome position (GRCh38, 1-based): chr22:37,973,845, C deleted on the plus strand (G on the coding strand, the reverse complement: SOX10 is on the minus strand); the first of 2 consecutive C bases (chr22:37,973,845-37,973,846); deleting either gives the same sequence. VCF-style (leftmost placement, unchanged base first): chr22-37973844-TC-T. GRCh37 (hg19) VCF-style: chr22-38369851-TC-T.
Other names: c.*38+1536del (NM_001363825.1); c.293+6676del (NM_001301130.2, NM_001301131.2); c.1051delG (NM_006941.3); short protein forms D351fs.
Identifiers: ClinVar variation 3321603 (VCV003321603.1).

ClinVar aggregate classification (germline): Pathogenic (1 of 4 stars; one submission).

Conditions:
Inborn genetic diseases. Identifiers: MedGen C0950123, MeSH D030342.

Submission:

Ambry Genetics
Classification: Pathogenic for Inborn genetic diseases. Last evaluated: 2024-04-23. Review status: criteria provided, single submitter. Criteria: Ambry Variant Classification Scheme 2023. Collection method: clinical testing. Allele origin: germline.
Comment: The c.1051delG (p.D351Mfs*6) alteration, located in exon 4 (coding exon 3) of the SOX10 gene, consists of a deletion of one nucleotide at position 1051, causing a translational frameshift with a predicted alternate stop codon after 6 amino acids. This alteration occurs at the 3' terminus of the SOX10 gene, is not expected to trigger nonsense-mediated mRNA decay, and impacts the last 24.9% of the protein. Premature stop codons are typically deleterious in nature. The impacted region is critical for protein function and a significant portion of the protein is affected (Ambry internal data). This variant was not reported in population-based cohorts in the Genome Aggregation Database (gnomAD). Based on the available evidence, this alteration is classified as pathogenic.